The following is an entry in ClinVar:

ClinVar aggregate classification (germline): Uncertain significance (1 of 4 stars; one submission).

Submission:

GeneDx
Classification: Uncertain significance. Last evaluated: 2019-11-04. Review status: criteria provided, single submitter. Criteria: GeneDx Variant Classification Process June 2021. Collection method: clinical testing. Allele origin: germline. Affected: yes.
Comment: Not observed in large population cohorts (Lek et al., 2016); In silico analysis, which includes protein predictors and evolutionary conservation, supports a deleterious effect; Has not been previously published as pathogenic or benign to our knowledge

NM_001378414.1(HDAC4):c.5G>T (p.Ser2Ile)

Gene: HDAC4 (histone deacetylase 4; minus strand). Cytogenetic location: 2q37.3.
Variant type: single nucleotide variant.
Coding change: c.5G>T on transcript NM_001378414.1 (MANE Select); coding-DNA position 5, G replaced by T.
Protein change: p.Ser2Ile; replaces serine 2 with isoleucine.
Molecular consequence: missense variant.
Genome position (GRCh38, 1-based): chr2:239,352,695, C>A on the plus strand (G>T on the coding strand, the complement: HDAC4 is on the minus strand). VCF-style: chr2-239352695-C-A. GRCh37 (hg19) VCF-style: chr2-240274390-C-A.
Other names: c.5G>T, p.Ser2Ile (NM_001378415.1, NM_001378416.1, NM_001378417.1 and 1 more transcripts); short protein forms S2I.
Identifiers: ClinVar variation 1309380 (VCV001309380.2), dbSNP rs372398251, ClinGen allele CA351463690.